The following is an entry in ClinVar:

NM_000337.6(SGCD):c.382+2T>C

Gene: SGCD (sarcoglycan delta; plus strand). Cytogenetic location: 5q33.3.
Variant type: single nucleotide variant.
Coding change: c.382+2T>C on transcript NM_000337.6 (MANE Select); the canonical splice donor site of the intron after coding-DNA position 382, T replaced by C.
Molecular consequence: splice donor variant.
Genome position (GRCh38, 1-based): chr5:156,589,320, T>C. VCF-style: chr5-156589320-T-C. GRCh37 (hg19) VCF-style: chr5-156016330-T-C.
Other names: c.379+2T>C (NM_001128209.2); c.382+2T>C (NM_172244.3).
Identifiers: ClinVar variation 3632415 (VCV003632415.2).

ClinVar aggregate classification (germline): Likely pathogenic (1 of 4 stars; one submission).

Conditions:
Autosomal recessive limb-girdle muscular dystrophy type 2F (LGMDR6). Also called: Muscular dystrophy limb-girdle with delta-sarcoglyan deficiency; MUSCULAR DYSTROPHY, LIMB-GIRDLE, AUTOSOMAL RECESSIVE 6. Identifiers: Orphanet 219, MedGen C1832525, MONDO:0011028, OMIM 601287. Disease mechanism: Affects gamma-sarcoglycan and also disrupts the integrity of the entire sarcoglycan complex..

Submission:

Labcorp Genetics (formerly Invitae), Labcorp
Classification: Likely pathogenic for Autosomal recessive limb-girdle muscular dystrophy type 2F. Last evaluated: 2024-12-16. Review status: criteria provided, single submitter. Criteria: Invitae Variant Classification Sherloc (09022015). Collection method: clinical testing. Allele origin: germline.
Comment: This sequence change affects a donor splice site in intron 5 of the SGCD gene. It is expected to disrupt RNA splicing. Variants that disrupt the donor or acceptor splice site typically lead to a loss of protein function (PMID: 16199547), and loss-of-function variants in SGCD are known to be pathogenic (PMID: 8841194, 10735275, 10838250). This variant is not present in population databases (gnomAD no frequency). This variant has not been reported in the literature in individuals affected with SGCD-related conditions. Algorithms developed to predict the effect of sequence changes on RNA splicing suggest that this variant may disrupt the consensus splice site. In summary, the currently available evidence indicates that the variant is pathogenic, but additional data are needed to prove that conclusively. Therefore, this variant has been classified as Likely Pathogenic.

Literature cited by the submitters: PubMed 16199547; PubMed 8841194; PubMed 10735275; PubMed 10838250.